The following is an entry in ClinVar:

ClinVar aggregate classification (germline): Uncertain significance (1 of 4 stars; one submission).

Conditions:
Hereditary sensory and autonomic neuropathy type 7. Also called: HSAN VII; Neuropathy, hereditary sensory and autonomic, type VII. Identifiers: Orphanet 391397, MedGen C3809882, MONDO:0014244, OMIM 615548.
Familial episodic pain syndrome with predominantly lower limb involvement. Also called: Episodic pain syndrome, familial, 3. Identifiers: Orphanet 391384, Orphanet 391392, MedGen C3809899, MONDO:0014247, OMIM 615552.

Submission:

Labcorp Genetics (formerly Invitae), Labcorp
Classification: Uncertain significance for Familial episodic pain syndrome with predominantly lower limb involvement; Hereditary sensory and autonomic neuropathy type 7. Last evaluated: 2024-03-19. Review status: criteria provided, single submitter. Criteria: Invitae Variant Classification Sherloc (09022015). Collection method: clinical testing. Allele origin: germline.
Comment: This sequence change replaces asparagine, which is neutral and polar, with lysine, which is basic and polar, at codon 696 of the SCN11A protein (p.Asn696Lys). This variant is present in population databases (no rsID available, gnomAD 0.0009%). This variant has not been reported in the literature in individuals affected with SCN11A-related conditions. Advanced modeling of protein sequence and biophysical properties (such as structural, functional, and spatial information, amino acid conservation, physicochemical variation, residue mobility, and thermodynamic stability) performed at Invitae indicates that this missense variant is not expected to disrupt SCN11A protein function with a negative predictive value of 80%. In summary, the available evidence is currently insufficient to determine the role of this variant in disease. Therefore, it has been classified as a Variant of Uncertain Significance.

NM_001349253.2(SCN11A):c.2088C>G (p.Asn696Lys)

Gene: SCN11A (sodium voltage-gated channel alpha subunit 11; minus strand). Cytogenetic location: 3p22.2.
Variant type: single nucleotide variant.
Coding change: c.2088C>G on transcript NM_001349253.2 (MANE Select); coding-DNA position 2088, C replaced by G.
Protein change: p.Asn696Lys; replaces asparagine 696 with lysine.
Molecular consequence: missense variant.
Genome position (GRCh38, 1-based): chr3:38,897,160, G>C on the plus strand (C>G on the coding strand, the complement: SCN11A is on the minus strand). VCF-style: chr3-38897160-G-C. GRCh37 (hg19) VCF-style: chr3-38938651-G-C.
Other names: c.2088C>G, p.Asn696Lys (NM_014139.3); short protein forms N696K.
Identifiers: ClinVar variation 3763439 (VCV003763439.1).